The following is an entry in ClinVar:

ClinVar aggregate classification (germline): Uncertain significance (1 of 4 stars; one submission).

gnomAD v4.1: 32 of 1,614,040 alleles (0.002%); highest among the groups gnomAD compares: Admixed American, 0.0033%; no homozygotes.

Submission:

GeneDx
Classification: Uncertain significance. Last evaluated: 2024-12-02. Review status: criteria provided, single submitter. Criteria: GeneDx Variant Classification Process June 2021. Collection method: clinical testing. Allele origin: germline. Affected: yes.
Comment: Not observed at significant frequency in large population cohorts (gnomAD); In silico analysis indicates that this missense variant does not alter protein structure/function; Has not been previously published as pathogenic or benign to our knowledge

NM_015340.4(LARS2):c.934G>A (p.Val312Met)

Gene: LARS2 (leucyl-tRNA synthetase 2, mitochondrial; plus strand). Cytogenetic location: 3p21.31.
Variant type: single nucleotide variant.
Coding change: c.934G>A on transcript NM_015340.4 (MANE Select); coding-DNA position 934, G replaced by A.
Protein change: p.Val312Met; replaces valine 312 with methionine.
Molecular consequence: missense variant.
Genome position (GRCh38, 1-based): chr3:45,476,543, G>A. VCF-style: chr3-45476543-G-A. GRCh37 (hg19) VCF-style: chr3-45518035-G-A.
Other names: c.934G>A, p.Val312Met (NM_001368263.1); short protein forms V312M.
Identifiers: ClinVar variation 3900898 (VCV003900898.1).